The following is an entry in ClinVar:

ClinVar aggregate classification (germline): Conflicting classifications of pathogenicity. Review status: criteria provided, conflicting classifications (1 of 4 stars). 5 submissions from 5 submitters: Uncertain significance (2); Likely benign (3). Last evaluated 2025-06-24.

Conditions:
Cardiovascular phenotype. Identifiers: MedGen CN230736.
Arrhythmogenic right ventricular dysplasia 9 (ARVD9). Also called: Arrhythmogenic Right Ventricular Dysplasia/Cardiomyopathy 9; ARRHYTHMOGENIC RIGHT VENTRICULAR DYSPLASIA, FAMILIAL, 9. Identifiers: MedGen C1836906, MONDO:0012180, OMIM 609040.
Cardiomyopathy (CMYO). Also called: Cardiomyopathies. Identifiers: Orphanet 167848, MedGen C0878544, MONDO:0004994, HP:0001638. Inheritance: Various modes of inheritance.

Allele frequency attached by ClinVar (database versions not stated): ExAC 0.00002; 1000 Genomes Project 30x 0.00016; gnomAD exomes below 0.00001 and 0.00001; 1000 Genomes Project 0.00020; gnomAD 0.00001; TOPMed 0.00001; ESP Exome Variant Server 0.00008.
gnomAD v4.1: 6 of 1,612,236 alleles (0.00037%); highest among the groups gnomAD compares: Non-Finnish European, 0.00051%; no homozygotes.

Submissions (5):

Ambry Genetics
Classification: Uncertain significance for Cardiovascular phenotype. Last evaluated: 2025-06-24. Review status: criteria provided, single submitter. Criteria: Ambry Variant Classification Scheme 2023. Collection method: clinical testing. Allele origin: germline.
Comment: The c.1511-5T>C intronic variant results from a T to C substitution 5 nucleotides upstream from coding exon 7 in the PKP2 gene. This nucleotide position is well conserved in available vertebrate species. In silico splice site analysis predicts that this alteration will not have any significant effect on splicing. Since supporting evidence is limited at this time, the clinical significance of this alteration remains unclear.

Labcorp Genetics (formerly Invitae), Labcorp
Classification: Likely benign for Arrhythmogenic right ventricular dysplasia 9. Last evaluated: 2024-04-07. Review status: criteria provided, single submitter. Criteria: Invitae Variant Classification Sherloc (09022015). Collection method: clinical testing. Allele origin: germline.

CHEO Genetics Diagnostic Laboratory, Children's Hospital of Eastern Ontario
Classification: Uncertain significance for Cardiomyopathy. Last evaluated: 2021-08-18. Review status: criteria provided, single submitter. Criteria: ACMG Guidelines, 2015. Collection method: clinical testing. Allele origin: germline.

GeneDx
Classification: Likely benign. Last evaluated: 2019-09-16. Review status: criteria provided, single submitter. Criteria: GeneDx Variant Classification Process June 2021. Collection method: clinical testing. Allele origin: germline. Affected: yes.

Color Diagnostics, LLC DBA Color Health
Classification: Likely benign for Cardiomyopathy. Last evaluated: 2018-11-16. Review status: criteria provided, single submitter. Criteria: ACMG Guidelines, 2015. Collection method: clinical testing. Allele origin: germline.

NM_001005242.3(PKP2):c.1379-5T>C

Gene: PKP2 (plakophilin 2; minus strand). Cytogenetic location: 12p11.21.
Variant type: single nucleotide variant.
Coding change: c.1379-5T>C on transcript NM_001005242.3 (MANE Select); 5 bases into the intron before coding-DNA position 1379, T replaced by C.
Molecular consequence: intron variant.
Genome position (GRCh38, 1-based): chr12:32,841,210, A>G on the plus strand (T>C on the coding strand, the complement: PKP2 is on the minus strand). VCF-style: chr12-32841210-A-G. GRCh37 (hg19) VCF-style: chr12-32994144-A-G.
Other names: c.1511-5T>C (NM_004572.4).
Identifiers: ClinVar variation 382486 (VCV000382486.18), dbSNP rs189036647, ClinGen allele CA029144.